The following is an entry in ClinVar:

ClinVar aggregate classification (germline): Likely benign (1 of 4 stars; one submission).

Submission:

CeGaT Center for Human Genetics Tuebingen
Classification: Likely benign. Last evaluated: 2023-10-01. Review status: criteria provided, single submitter. Criteria: CeGaT Center For Human Genetics Tuebingen Variant Classification Criteria Version 2. Collection method: clinical testing. Allele origin: germline. Affected: yes. Observed: 1 variant allele.
Comment: BPTF: PM2:Supporting, BP4, BP7

NM_182641.4(BPTF):c.5079T>C (p.Phe1693=)

Gene: BPTF (bromodomain PHD finger transcription factor; plus strand). Cytogenetic location: 17q24.2.
Variant type: single nucleotide variant.
Coding change: c.5079T>C on transcript NM_182641.4 (MANE Select); coding-DNA position 5079, T replaced by C.
Protein change: p.Phe1693=; no amino-acid change (phenylalanine 1693 retained).
Molecular consequence: synonymous variant.
Genome position (GRCh38, 1-based): chr17:67,912,963, T>C. VCF-style: chr17-67912963-T-C. GRCh37 (hg19) VCF-style: chr17-65909079-T-C.
Other names: c.5457T>C, p.Phe1819= (NM_004459.7).
Identifiers: ClinVar variation 2648140 (VCV002648140.24), dbSNP rs2511511459, ClinGen allele CA501696039.
Genomic context (GRCh38, chr17:67,912,963, plus strand): 5'-TACATCTATGACTGTGAGCAAAGAGTATTCCACACGAGACAAAGTGAAACTGATGAAATT[T>C]TCAAGACCAAAGAAGACTCGTTCAGGTACAGCTCTGCCATCCTATAGAAAATTTGTTACC-3'
Protein context (NP_872579.2, residues 1683-1703): STRDKVKLMK[Phe1693=]SRPKKTRSGT